The following is an entry in ClinVar:

NM_182746.3(MCM4):c.167G>A (p.Gly56Glu)

Gene: MCM4 (minichromosome maintenance complex component 4; plus strand). Cytogenetic location: 8q11.21.
Variant type: single nucleotide variant.
Coding change: c.167G>A on transcript NM_182746.3 (MANE Select); coding-DNA position 167, G replaced by A.
Protein change: p.Gly56Glu; replaces glycine 56 with glutamic acid.
Molecular consequence: missense variant.
Genome position (GRCh38, 1-based): chr8:47,961,612, G>A. VCF-style: chr8-47961612-G-A. GRCh37 (hg19) VCF-style: chr8-48874172-G-A.
Other names: c.167G>A, p.Gly56Glu (NM_005914.4); short protein forms G56E.
Identifiers: ClinVar variation 2328784 (VCV002328784.5), dbSNP rs1489134595, ClinGen allele CA371144946.
Genomic context (GRCh38, chr8:47,961,612, plus strand): 5'-GACGTAGAGGCGAGGATTCCACCTCCACGGGGGAGTTGCAGCCGATGCCAACCTCGCCTG[G>A]AGTGGACCTGCAGAGCCCTGCTGCGCAGGACGTGCTGTTTTCCAGCCCTCCCCAAATGCA-3'
Protein context (NP_877423.1, residues 46-66): GELQPMPTSP[Gly56Glu]VDLQSPAAQD

ClinVar aggregate classification (germline): Uncertain significance. Review status: criteria provided, multiple submitters, no conflicts (2 of 4 stars). 2 submissions from 2 submitters: Uncertain significance (2). Last evaluated 2023-04-12.

Allele frequency attached by ClinVar (database versions not stated): gnomAD exomes below 0.00001; gnomAD 0.00001; TOPMed 0.00001.
gnomAD v4.1: 2 of 1,614,058 alleles (0.00012%); highest among the groups gnomAD compares: Non-Finnish European, 0.00017%; no homozygotes.

Submissions (2):

Labcorp Genetics (formerly Invitae), Labcorp
Classification: Uncertain significance. Last evaluated: 2023-04-12. Review status: criteria provided, single submitter. Criteria: Invitae Variant Classification Sherloc (09022015). Collection method: clinical testing. Allele origin: germline.
Comment: In summary, the available evidence is currently insufficient to determine the role of this variant in disease. Therefore, it has been classified as a Variant of Uncertain Significance. An algorithm developed to predict the effect of missense changes on protein structure and function (PolyPhen-2) suggests that this variant is likely to be tolerated. ClinVar contains an entry for this variant (Variation ID: 2328784). This variant has not been reported in the literature in individuals affected with MCM4-related conditions. This variant is not present in population databases (gnomAD no frequency). This sequence change replaces glycine, which is neutral and non-polar, with glutamic acid, which is acidic and polar, at codon 56 of the MCM4 protein (p.Gly56Glu).

Ambry Genetics
Classification: Uncertain significance. Last evaluated: 2022-11-21. Review status: criteria provided, single submitter. Criteria: Ambry Variant Classification Scheme 2023. Collection method: clinical testing. Allele origin: germline.